The following is an entry in ClinVar:

NM_144643.4(SCLT1):c.909C>T (p.Thr303=)

Gene: SCLT1 (sodium channel and clathrin linker 1; minus strand). Cytogenetic location: 4q28.2.
Variant type: single nucleotide variant.
Coding change: c.909C>T on transcript NM_144643.4 (MANE Select); coding-DNA position 909, C replaced by T.
Protein change: p.Thr303=; no amino-acid change (threonine 303 retained).
Molecular consequence: synonymous variant.
Genome position (GRCh38, 1-based): chr4:128,959,738, G>A on the plus strand (C>T on the coding strand, the complement: SCLT1 is on the minus strand). VCF-style: chr4-128959738-G-A. GRCh37 (hg19) VCF-style: chr4-129880893-G-A.
Other names: c.909C>T, p.Thr303= (NM_001410807.1); c.909C>T (NM_144643.3).
Identifiers: ClinVar variation 2192773 (VCV002192773.5), dbSNP rs533835730, ClinGen allele CA105731409.

ClinVar aggregate classification (germline): Likely benign. Review status: criteria provided, multiple submitters, no conflicts (2 of 4 stars). 2 submissions from 2 submitters: Likely benign (2). Last evaluated 2025-09-28.

Conditions:
SCLT1-related disorder. Also called: SCLT1-related condition.

Allele frequency attached by ClinVar (database versions not stated): TOPMed below 0.00001; gnomAD 0.00001.
gnomAD v4.1: 7 of 1,612,952 alleles (0.00043%); highest among the groups gnomAD compares: African/African-American, 0.004%; no homozygotes.

Submissions (2):

Labcorp Genetics (formerly Invitae), Labcorp
Classification: Likely benign. Last evaluated: 2025-09-28. Review status: criteria provided, single submitter. Criteria: Invitae Variant Classification Sherloc (09022015). Collection method: clinical testing. Allele origin: germline.

PreventionGenetics, part of Exact Sciences
Classification: Likely benign for SCLT1-related condition. Last evaluated: 2025-01-22. Review status: criteria provided, single submitter. Criteria: ACMG Guidelines, 2015. Collection method: clinical testing. Allele origin: germline.
Comment: This variant is classified as likely benign based on ACMG/AMP sequence variant interpretation guidelines (Richards et al. 2015 PMID: 25741868, with internal and published modifications).